The following is an entry in ClinVar:

NC_000001.10:g.(?_161279609)_(161751809_?)dup

Genes: ATF6 (activating transcription factor 6; plus strand), CFAP126 (cilia and flagella associated protein 126; minus strand), DUSP12 (dual specificity phosphatase 12; plus strand), FCGR2A (Fc gamma receptor IIa; plus strand), FCGR2B (Fc gamma receptor IIb; plus strand) and 8 more. Cytogenetic location: 1q23.3.
Variant type: Duplication.
Identifiers: ClinVar variation 2423233 (VCV002423233.5).

ClinVar aggregate classification (germline): Uncertain significance (1 of 4 stars; one submission).

Conditions:
Charcot-Marie-Tooth disease, type I (CMT1). Also called: Charcot-Marie-Tooth, Type 1; Charcot-Marie-Tooth disease type 1. Identifiers: Orphanet 65753, MedGen C0751036, MONDO:0019011.

Submission:

Labcorp Genetics (formerly Invitae), Labcorp
Classification: Uncertain significance for Charcot-Marie-Tooth disease, type I. Last evaluated: 2022-10-17. Review status: criteria provided, single submitter. Criteria: Invitae Variant Classification Sherloc (09022015). Collection method: clinical testing. Allele origin: germline.
Comment: In summary, the available evidence is currently insufficient to determine the role of this variant in disease. Therefore, it has been classified as a Variant of Uncertain Significance. This variant has not been reported in the literature in individuals affected with MPZ-related conditions. This variant results in a copy number gain of the genomic region encompassing exon(s) 1 of the MPZ gene. This region includes the initiator codon of the gene. This copy number gain extends beyond the assayed region for this gene and therefore may encompass additional genes. As the precise location of this event is unknown, it may be in tandem or it may be located elsewhere in the genome.